The following is an entry in ClinVar:

NM_001367721.1(CASK):c.1761A>T (p.Arg587Ser)

Gene: CASK (calcium/calmodulin dependent serine protein kinase; minus strand). Cytogenetic location: Xp11.4.
Variant type: single nucleotide variant.
Coding change: c.1761A>T on transcript NM_001367721.1 (MANE Select); coding-DNA position 1761, A replaced by T.
Protein change: p.Arg587Ser; replaces arginine 587 with serine.
Molecular consequence: missense variant. On other transcripts: intron variant (2).
Genome position (GRCh38, 1-based): chrX:41,557,077, T>A on the plus strand (A>T on the coding strand, the complement: CASK is on the minus strand). VCF-style: chrX-41557077-T-A. GRCh37 (hg19) VCF-style: chrX-41416330-T-A.
Other names: c.1743A>T, p.Arg581Ser (NM_001410745.1); c.1761A>T, p.Arg587Ser (NM_003688.4); c.1720-1442A>T (NM_001126055.3); c.1738-1442A>T (NM_001126054.3); short protein forms R581S, R587S.
Identifiers: ClinVar variation 4801007 (VCV004801007.1).
Genomic context (GRCh38, chrX:41,557,077, plus strand): 5'-AGCTAAAGTTCTTACCGAAACAGAATTGTTAGTGCTGCTATGACCATTAGCTGGGGACTG[T>A]CTGGAAGTGGAAGGGGAATCTCTCTGAAATAAGACACAAGGTTCATTAACACAGAACACC-3'
Protein context (NP_001354650.1, residues 577-597): SCERDSPSTS[Arg587Ser]QSPANGHSST

ClinVar aggregate classification (germline): Uncertain significance (1 of 4 stars; one submission).

Conditions:
Intellectual disability, CASK-related, X-linked. Identifiers: MedGen CN043158.

Submission:

Labcorp Genetics (formerly Invitae), Labcorp
Classification: Uncertain significance for Intellectual disability, CASK-related, X-linked. Last evaluated: 2025-06-24. Review status: criteria provided, single submitter. Criteria: Invitae Variant Classification Sherloc (09022015). Collection method: clinical testing. Allele origin: germline.
Comment: This sequence change replaces arginine, which is basic and polar, with serine, which is neutral and polar, at codon 587 of the CASK protein (p.Arg587Ser). This variant is not present in population databases (gnomAD no frequency). This variant has not been reported in the literature in individuals affected with CASK-related conditions. Invitae Evidence Modeling of protein sequence and biophysical properties (such as structural, functional, and spatial information, amino acid conservation, physicochemical variation, residue mobility, and thermodynamic stability) has been performed for this missense variant. However, the output from this modeling did not meet the statistical confidence thresholds required to predict the impact of this variant on CASK protein function. In summary, the available evidence is currently insufficient to determine the role of this variant in disease. Therefore, it has been classified as a Variant of Uncertain Significance.